The following is an entry in ClinVar:

ClinVar aggregate classification (germline): Uncertain significance (1 of 4 stars; one submission).

gnomAD v4.1: 6 of 1,613,764 alleles (0.00037%); highest among the groups gnomAD compares: Non-Finnish European, 0.00051%; no homozygotes.

Submission:

GeneDx
Classification: Uncertain significance. Last evaluated: 2024-01-11. Review status: criteria provided, single submitter. Criteria: GeneDx Variant Classification Process June 2021. Collection method: clinical testing. Allele origin: germline. Affected: yes.
Comment: Not observed at significant frequency in large population cohorts (gnomAD); In silico analysis supports that this missense variant does not alter protein structure/function; Has not been previously published as pathogenic or benign to our knowledge

NM_013275.6(ANKRD11):c.3554G>A (p.Arg1185Lys)

Gene: ANKRD11 (ankyrin repeat domain containing 11; minus strand). Cytogenetic location: 16q24.3.
Variant type: single nucleotide variant.
Coding change: c.3554G>A on transcript NM_013275.6 (MANE Select); coding-DNA position 3554, G replaced by A.
Protein change: p.Arg1185Lys; replaces arginine 1185 with lysine.
Molecular consequence: missense variant.
Genome position (GRCh38, 1-based): chr16:89,282,988, C>T on the plus strand (G>A on the coding strand, the complement: ANKRD11 is on the minus strand). VCF-style: chr16-89282988-C-T. GRCh37 (hg19) VCF-style: chr16-89349396-C-T.
Other names: c.3554G>A, p.Arg1185Lys (NM_001256182.2, NM_001256183.2); short protein forms R1185K.
Identifiers: ClinVar variation 3367690 (VCV003367690.1).